The following is an entry in ClinVar:

NM_020778.5(ALPK3):c.3687A>C (p.Ala1229=)

Gene: ALPK3 (alpha kinase 3; plus strand). Cytogenetic location: 15q25.3.
Variant type: single nucleotide variant.
Coding change: c.3687A>C on transcript NM_020778.5 (MANE Select); coding-DNA position 3687, A replaced by C.
Protein change: p.Ala1229=; no amino-acid change (alanine 1229 retained).
Molecular consequence: synonymous variant.
Genome position (GRCh38, 1-based): chr15:84,858,425, A>C. VCF-style: chr15-84858425-A-C. GRCh37 (hg19) VCF-style: chr15-85401656-A-C.
Identifiers: ClinVar variation 1559707 (VCV001559707.11), dbSNP rs954822834, ClinGen allele CA273625866.

ClinVar aggregate classification (germline): Likely benign. Review status: criteria provided, multiple submitters, no conflicts (2 of 4 stars). 3 submissions from 3 submitters: Likely benign (3). Last evaluated 2025-10-28.

Conditions:
ALPK3-related disorder. Also called: ALPK3-related condition.
Cardiovascular phenotype. Identifiers: MedGen CN230736.

Allele frequency attached by ClinVar (database versions not stated): gnomAD exomes below 0.00001 and 0.00001; gnomAD 0.00002; TOPMed 0.00002.
gnomAD v4.1: 7 of 1,561,982 alleles (0.00045%); highest among the groups gnomAD compares: African/African-American, 0.0067%; no homozygotes.

Submissions (3):

Labcorp Genetics (formerly Invitae), Labcorp
Classification: Likely benign. Last evaluated: 2025-10-28. Review status: criteria provided, single submitter. Criteria: Invitae Variant Classification Sherloc (09022015). Collection method: clinical testing. Allele origin: germline.

PreventionGenetics, part of Exact Sciences
Classification: Likely benign for ALPK3-related condition. Last evaluated: 2025-07-30. Review status: criteria provided, single submitter. Criteria: ACMG Guidelines, 2015. Collection method: clinical testing. Allele origin: germline.
Comment: This variant is classified as likely benign based on ACMG/AMP sequence variant interpretation guidelines (Richards et al. 2015 PMID: 25741868, with internal and published modifications).

Ambry Genetics
Classification: Likely benign for Cardiovascular phenotype. Last evaluated: 2019-11-21. Review status: criteria provided, single submitter. Criteria: Ambry Variant Classification Scheme 2023. Collection method: clinical testing. Allele origin: germline.